The following is an entry in ClinVar:

ClinVar aggregate classification (germline): Uncertain significance. Review status: criteria provided, multiple submitters, no conflicts (2 of 4 stars). 2 submissions from 2 submitters: Uncertain significance (2). Last evaluated 2026-01-05.

Conditions:
Orthostatic hypotension 1 (ORTHYP1). Also called: Dopamine beta-hydroxylase deficiency; Orthostatic hypotension 1, due to DBH deficiency; NORADRENALINE DEFICIENCY; NOREPINEPHRINE DEFICIENCY. Identifiers: Orphanet 230, MedGen C4746777, MONDO:0009123, OMIM 223360.

Allele frequency attached by ClinVar (database versions not stated): ExAC 0.00042; ESP Exome Variant Server 0.00046; gnomAD 0.00047 and 0.00048; gnomAD exomes 0.00049; TOPMed 0.00074; 1000 Genomes Project 30x 0.00078; 1000 Genomes Project 0.00080.

Submissions (2):

Labcorp Genetics (formerly Invitae), Labcorp
Classification: Uncertain significance for Orthostatic hypotension 1. Last evaluated: 2026-01-05. Review status: criteria provided, single submitter. Criteria: Invitae Variant Classification Sherloc (09022015). Collection method: clinical testing. Allele origin: germline.
Comment: This sequence change replaces alanine, which is neutral and non-polar, with threonine, which is neutral and polar, at codon 506 of the DBH protein (p.Ala506Thr). This variant is present in population databases (rs148439785, gnomAD 0.06%). This variant has not been reported in the literature in individuals affected with DBH-related conditions. ClinVar contains an entry for this variant (Variation ID: 365664). Invitae Evidence Modeling of protein sequence and biophysical properties (such as structural, functional, and spatial information, amino acid conservation, physicochemical variation, residue mobility, and thermodynamic stability) indicates that this missense variant is not expected to disrupt DBH protein function with a negative predictive value of 80%. In summary, the available evidence is currently insufficient to determine the role of this variant in disease. Therefore, it has been classified as a Variant of Uncertain Significance.

Illumina Laboratory Services, Illumina
Classification: Uncertain significance for Orthostatic hypotension 1. Last evaluated: 2018-01-12. Review status: criteria provided, single submitter. Criteria: ICSL Variant Classification Criteria 13 December 2019. Collection method: clinical testing. Allele origin: germline.

NM_000787.4(DBH):c.1516G>A (p.Ala506Thr)

Genes: DBH (dopamine beta-hydroxylase; plus strand), DBH-AS1 (DBH antisense RNA 1; minus strand). Cytogenetic location: 9q34.2.
Variant type: single nucleotide variant.
Coding change: c.1516G>A on transcript NM_000787.4 (MANE Select); coding-DNA position 1516, G replaced by A.
Protein change: p.Ala506Thr; replaces alanine 506 with threonine.
Molecular consequence: missense variant.
Genome position (GRCh38, 1-based): chr9:133,656,604, G>A. VCF-style: chr9-133656604-G-A. GRCh37 (hg19) VCF-style: chr9-136521726-G-A.
Other names: short protein forms A506T.
Identifiers: ClinVar variation 365664 (VCV000365664.9), dbSNP rs148439785, ClinGen allele CA5313565.